The following is an entry in ClinVar:

NM_004656.4(BAP1):c.1666G>A (p.Val556Ile)

Gene: BAP1 (BRCA1 associated deubiquitinase 1; minus strand). Cytogenetic location: 3p21.1.
Variant type: single nucleotide variant.
Coding change: c.1666G>A on transcript NM_004656.4 (MANE Select); coding-DNA position 1666, G replaced by A.
Protein change: p.Val556Ile; replaces valine 556 with isoleucine.
Molecular consequence: missense variant.
Genome position (GRCh38, 1-based): chr3:52,403,479, C>T on the plus strand (G>A on the coding strand, the complement: BAP1 is on the minus strand). VCF-style: chr3-52403479-C-T. GRCh37 (hg19) VCF-style: chr3-52437495-C-T.
Other names: c.1612G>A, p.Val538Ile (NM_001410772.1); c.1666G>A (NM_004656.3); short protein forms V538I, V556I.
Identifiers: ClinVar variation 2565179 (VCV002565179.8), dbSNP rs2153226606, ClinGen allele CA353100031.

ClinVar aggregate classification (germline): Uncertain significance. Review status: criteria provided, multiple submitters, no conflicts (2 of 4 stars). 4 submissions from 4 submitters: Uncertain significance (4). Last evaluated 2024-07-21.

Conditions:
BAP1-related tumor predisposition syndrome (TPDS1). Also called: COMMON Syndrome; TUMOR PREDISPOSITION SYNDROME 1; BAP1 tumor predisposition syndrome; Tumor susceptibility linked to germline BAP1 mutations. Identifiers: Orphanet 289539, MedGen C3280492, MONDO:0013692, OMIM 614327.
Hereditary cancer-predisposing syndrome. Also called: Neoplastic Syndromes, Hereditary; Hereditary Cancer Syndrome; Hereditary neoplastic syndrome; Tumor predisposition. Identifiers: Orphanet 140162, MedGen C0027672, MeSH D009386, MONDO:0015356.

Submissions (4):

Labcorp Genetics (formerly Invitae), Labcorp
Classification: Uncertain significance for BAP1-related tumor predisposition syndrome. Last evaluated: 2024-07-21. Review status: criteria provided, single submitter. Criteria: Invitae Variant Classification Sherloc (09022015). Collection method: clinical testing. Allele origin: germline.
Comment: This sequence change replaces valine, which is neutral and non-polar, with isoleucine, which is neutral and non-polar, at codon 556 of the BAP1 protein (p.Val556Ile). This variant is not present in population databases (gnomAD no frequency). This variant has not been reported in the literature in individuals affected with BAP1-related conditions. ClinVar contains an entry for this variant (Variation ID: 2565179). Advanced modeling of protein sequence and biophysical properties (such as structural, functional, and spatial information, amino acid conservation, physicochemical variation, residue mobility, and thermodynamic stability) performed at Invitae indicates that this missense variant is not expected to disrupt BAP1 protein function with a negative predictive value of 80%. In summary, the available evidence is currently insufficient to determine the role of this variant in disease. Therefore, it has been classified as a Variant of Uncertain Significance.

Ambry Genetics
Classification: Uncertain significance for Hereditary cancer-predisposing syndrome. Last evaluated: 2023-05-19. Review status: criteria provided, single submitter. Criteria: Ambry Variant Classification Scheme 2023. Collection method: clinical testing. Allele origin: germline.
Comment: The p.V556I variant (also known as c.1666G>A), located in coding exon 13 of the BAP1 gene, results from a G to A substitution at nucleotide position 1666. The valine at codon 556 is replaced by isoleucine, an amino acid with highly similar properties. This amino acid position is conserved. In addition, this alteration is predicted to be tolerated by in silico analysis. Since supporting evidence is limited at this time, the clinical significance of this alteration remains unclear.

GeneDx
Classification: Uncertain significance. Last evaluated: 2023-04-26. Review status: criteria provided, single submitter. Criteria: GeneDx Variant Classification Process June 2021. Collection method: clinical testing. Allele origin: germline. Affected: yes.
Comment: Not observed at significant frequency in large population cohorts (gnomAD); In silico analysis supports that this missense variant does not alter protein structure/function; Has not been previously published as pathogenic or benign to our knowledge

Color Diagnostics, LLC DBA Color Health
Classification: Uncertain significance for Hereditary cancer-predisposing syndrome. Last evaluated: 2022-12-05. Review status: criteria provided, single submitter. Criteria: ACMG Guidelines, 2015. Collection method: clinical testing. Allele origin: germline.
Comment: This missense variant replaces valine with isoleucine at codon 556 of the BAP1 protein. Computational prediction suggests that this variant may not impact protein structure and function (internally defined REVEL score threshold <= 0.5, PMID: 27666373). To our knowledge, functional studies have not been reported for this variant. This variant has not been reported in individuals affected with BAP1-related disorders in the literature. This variant has not been identified in the general population by the Genome Aggregation Database (gnomAD). The available evidence is insufficient to determine the role of this variant in disease conclusively. Therefore, this variant is classified as a Variant of Uncertain Significance.